The following is an entry in ClinVar:

ClinVar aggregate classification (germline): Uncertain significance (1 of 4 stars; one submission).

Allele frequency attached by ClinVar (database versions not stated): gnomAD 0.00003; ExAC 0.00012; 1000 Genomes Project 30x 0.00016; 1000 Genomes Project 0.00020.
gnomAD v4.1: 34 of 1,612,490 alleles (0.0021%); highest among the groups gnomAD compares: East Asian, 0.072%; no homozygotes.

Submission:

Labcorp Genetics (formerly Invitae), Labcorp
Classification: Uncertain significance. Last evaluated: 2023-02-09. Review status: criteria provided, single submitter. Criteria: Invitae Variant Classification Sherloc (09022015). Collection method: clinical testing. Allele origin: germline.
Comment: In summary, the available evidence is currently insufficient to determine the role of this variant in disease. Therefore, it has been classified as a Variant of Uncertain Significance. Advanced modeling of protein sequence and biophysical properties (such as structural, functional, and spatial information, amino acid conservation, physicochemical variation, residue mobility, and thermodynamic stability) performed at Invitae indicates that this missense variant is not expected to disrupt VPS13C protein function. This sequence change replaces isoleucine, which is neutral and non-polar, with valine, which is neutral and non-polar, at codon 1523 of the VPS13C protein (p.Ile1523Val). This variant is present in population databases (rs560912678, gnomAD 0.2%). This variant has not been reported in the literature in individuals affected with VPS13C-related conditions.

NM_020821.3(VPS13C):c.4567A>G (p.Ile1523Val)

Gene: VPS13C (vacuolar protein sorting 13 homolog C; minus strand). Cytogenetic location: 15q22.2.
Variant type: single nucleotide variant.
Coding change: c.4567A>G on transcript NM_020821.3 (MANE Select); coding-DNA position 4567, A replaced by G.
Protein change: p.Ile1523Val; replaces isoleucine 1523 with valine.
Molecular consequence: missense variant.
Genome position (GRCh38, 1-based): chr15:61,950,387, T>C on the plus strand (A>G on the coding strand, the complement: VPS13C is on the minus strand). VCF-style: chr15-61950387-T-C. GRCh37 (hg19) VCF-style: chr15-62242586-T-C.
Other names: c.4567A>G, p.Ile1523Val (NM_001018088.3); c.4438A>G, p.Ile1480Val (NM_017684.5, NM_018080.4); short protein forms I1523V, I1480V.
Identifiers: ClinVar variation 2723661 (VCV002723661.3), dbSNP rs560912678, ClinGen allele CA7596051.